The following is an entry in ClinVar:

NM_001048174.2(MUTYH):c.244G>T (p.Asp82Tyr)

Gene: MUTYH (mutY DNA glycosylase; minus strand). Cytogenetic location: 1p34.1.
Variant type: single nucleotide variant.
Coding change: c.244G>T on transcript NM_001048174.2 (MANE Select); coding-DNA position 244, G replaced by T.
Protein change: p.Asp82Tyr; replaces aspartic acid 82 with tyrosine.
Molecular consequence: missense variant. On other transcripts: 5 prime UTR variant (4), non-coding transcript variant (2).
Genome position (GRCh38, 1-based): chr1:45,333,433, C>A on the plus strand (G>T on the coding strand, the complement: MUTYH is on the minus strand). VCF-style: chr1-45333433-C-A. GRCh37 (hg19) VCF-style: chr1-45799105-C-A.
Other names: c.244G>T, p.Asp82Tyr (NM_001048171.2, NM_001048173.2, NM_001293195.2); c.247G>T, p.Asp83Tyr (NM_001048172.2); c.328G>T, p.Asp110Tyr (NM_001128425.2); c.289G>T, p.Asp97Tyr (NM_001293190.2); c.277G>T, p.Asp93Tyr (NM_001293191.2); c.-33G>T (NM_001293192.2, NM_001293196.2); c.-28G>T (NM_001350650.2, NM_001350651.2); c.319G>T, p.Asp107Tyr (NM_012222.3); short protein forms D110Y, D82Y, D83Y, D97Y, D107Y, D93Y.
Identifiers: ClinVar variation 651229 (VCV000651229.8), dbSNP rs1553130091, ClinGen allele CA340136371.

ClinVar aggregate classification (germline): Uncertain significance (1 of 4 stars; one submission).

Conditions:
Familial adenomatous polyposis 2. Also called: COLORECTAL ADENOMATOUS POLYPOSIS, AUTOSOMAL RECESSIVE; ADENOMAS, MULTIPLE COLORECTAL, AUTOSOMAL RECESSIVE; MYH-associated polyposis; MUTYH Polyposis; Adenomas, multiple colorectal; MUTYH-associated polyposis. Identifiers: Orphanet 220460, Orphanet 247798, MedGen C3272841, MONDO:0012041, OMIM 608456.

Submission:

Labcorp Genetics (formerly Invitae), Labcorp
Classification: Uncertain significance for Familial adenomatous polyposis 2. Last evaluated: 2021-06-28. Review status: criteria provided, single submitter. Criteria: Invitae Variant Classification Sherloc (09022015). Collection method: clinical testing. Allele origin: germline.
Comment: In summary, the available evidence is currently insufficient to determine the role of this variant in disease. Therefore, it has been classified as a Variant of Uncertain Significance. Algorithms developed to predict the effect of sequence changes on RNA splicing suggest that this variant may create or strengthen a splice site, but this prediction has not been confirmed by published transcriptional studies. Algorithms developed to predict the effect of missense changes on protein structure and function are either unavailable or do not agree on the potential impact of this missense change (SIFT: "Deleterious"; PolyPhen-2: "Probably Damaging"; Align-GVGD: "Class C0"). This variant has not been reported in the literature in individuals with MUTYH-related disease. This variant is not present in population databases (ExAC no frequency). This sequence change replaces aspartic acid with tyrosine at codon 110 of the MUTYH protein (p.Asp110Tyr). The aspartic acid residue is highly conserved and there is a large physicochemical difference between aspartic acid and tyrosine.